The following is an entry in ClinVar:

NM_152703.5(SAMD9L):c.1037G>C (p.Gly346Ala)

Gene: SAMD9L (sterile alpha motif domain containing 9 like; minus strand). Cytogenetic location: 7q21.2.
Variant type: single nucleotide variant.
Coding change: c.1037G>C on transcript NM_152703.5 (MANE Select); coding-DNA position 1037, G replaced by C.
Protein change: p.Gly346Ala; replaces glycine 346 with alanine.
Molecular consequence: missense variant.
Genome position (GRCh38, 1-based): chr7:93,134,935, C>G on the plus strand (G>C on the coding strand, the complement: SAMD9L is on the minus strand). VCF-style: chr7-93134935-C-G. GRCh37 (hg19) VCF-style: chr7-92764248-C-G.
Other names: c.1037G>C, p.Gly346Ala (NM_001303496.3, NM_001303497.3, NM_001303498.3 and 5 more transcripts); short protein forms G346A.
Identifiers: ClinVar variation 4630109 (VCV004630109.1).

ClinVar aggregate classification (germline): Uncertain significance (1 of 4 stars; one submission).

Conditions:
Inborn genetic diseases. Identifiers: MedGen C0950123, MeSH D030342.

Submission:

Ambry Genetics
Classification: Uncertain significance for Inborn genetic diseases. Last evaluated: 2025-11-11. Review status: criteria provided, single submitter. Criteria: Ambry Variant Classification Scheme 2023. Collection method: clinical testing. Allele origin: germline.
Comment: The p.G346A variant (also known as c.1037G>C), located in coding exon 1 of the SAMD9L gene, results from a G to C substitution at nucleotide position 1037. The glycine at codon 346 is replaced by alanine, an amino acid with similar properties. This amino acid position is conserved. In addition, this alteration is predicted to be tolerated by in silico analysis. Based on the available evidence, the clinical significance of this variant remains unclear.